The following is an entry in ClinVar:

ClinVar aggregate classification (germline): Uncertain significance. Review status: criteria provided, multiple submitters, no conflicts (2 of 4 stars). 3 submissions from 3 submitters: Uncertain significance (2). 1 of the submissions does not count toward it. Last evaluated 2026-08-10.

Conditions:
Familial hypercholesterolemia. Also called: Familial hypercholesterolemias; Familial hypercholesterolaemia. Identifiers: MedGen C0020445, MONDO:0005439.
Cardiovascular phenotype. Identifiers: MedGen CN230736.
Hypercholesterolemia, familial, 4 (FHCL4). Also called: HYPERCHOLESTEROLEMIA, AUTOSOMAL RECESSIVE, 1; HYPERCHOLESTEROLEMIA, AUTOSOMAL RECESSIVE, 2. Identifiers: Orphanet 391665, MedGen C1863512, MONDO:0011374, OMIM 603813.

Allele frequency attached by ClinVar (database versions not stated): gnomAD exomes 0.00001; ExAC 0.00001.

Submissions (3):

Ambry Genetics
Classification: Uncertain significance for Cardiovascular phenotype. Last evaluated: 2026-08-10. Review status: criteria provided, single submitter. Criteria: Ambry Variant Classification Scheme 2023. Collection method: clinical testing. Allele origin: germline.
Comment: The p.S205N variant (also known as c.614G>A), located in coding exon 6 of the LDLRAP1 gene, results from a G to A substitution at nucleotide position 614. The serine at codon 205 is replaced by asparagine, an amino acid with highly similar properties. This amino acid position is conserved. In addition, this alteration is predicted to be tolerated by in silico analysis. Based on the available evidence, the clinical significance of this variant remains unclear.

Labcorp Genetics (formerly Invitae), Labcorp
Classification: Uncertain significance for Hypercholesterolemia, familial, 4. Last evaluated: 2021-08-24. Review status: criteria provided, single submitter. Criteria: Invitae Variant Classification Sherloc (09022015). Collection method: clinical testing. Allele origin: germline.
Comment: This sequence change replaces serine with asparagine at codon 205 of the LDLRAP1 protein (p.Ser205Asn). The serine residue is moderately conserved and there is a small physicochemical difference between serine and asparagine. This variant is present in population databases (rs750330964, ExAC 0.01%). This variant has not been reported in the literature in individuals affected with LDLRAP1-related conditions. Algorithms developed to predict the effect of missense changes on protein structure and function output the following: SIFT: "Deleterious"; PolyPhen-2: "Benign"; Align-GVGD: "Class C0". The asparagine amino acid residue is found in multiple mammalian species, which suggests that this missense change does not adversely affect protein function. In summary, the available evidence is currently insufficient to determine the role of this variant in disease. Therefore, it has been classified as a Variant of Uncertain Significance.

Natera, Inc.
Classification: Uncertain significance for Familial hypercholesterolemia. Last evaluated: 2020-09-19. Review status: no assertion criteria provided. Collection method: clinical testing. Allele origin: germline. Not counted in ClinVar's aggregate classification.

NM_015627.3(LDLRAP1):c.614G>A (p.Ser205Asn)

Gene: LDLRAP1 (low density lipoprotein receptor adaptor protein 1; plus strand). Cytogenetic location: 1p36.11.
Variant type: single nucleotide variant.
Coding change: c.614G>A on transcript NM_015627.3 (MANE Select); coding-DNA position 614, G replaced by A.
Protein change: p.Ser205Asn; replaces serine 205 with asparagine.
Molecular consequence: missense variant.
Genome position (GRCh38, 1-based): chr1:25,563,151, G>A. VCF-style: chr1-25563151-G-A. GRCh37 (hg19) VCF-style: chr1-25889642-G-A.
Other names: short protein forms S205N.
Identifiers: ClinVar variation 948916 (VCV000948916.10), dbSNP rs750330964, ClinGen allele CA695648.